The following is an entry in ClinVar:

NM_006899.5(IDH3B):c.400C>G (p.Arg134Gly)

Gene: IDH3B (isocitrate dehydrogenase (NAD(+)) 3 non-catalytic subunit beta; minus strand). Cytogenetic location: 20p13.
Variant type: single nucleotide variant.
Coding change: c.400C>G on transcript NM_006899.5 (MANE Select); coding-DNA position 400, C replaced by G.
Protein change: p.Arg134Gly; replaces arginine 134 with glycine.
Molecular consequence: missense variant. On other transcripts: non-coding transcript variant (1).
Genome position (GRCh38, 1-based): chr20:2,660,828, G>C on the plus strand (C>G on the coding strand, the complement: IDH3B is on the minus strand). VCF-style: chr20-2660828-G-C. GRCh37 (hg19) VCF-style: chr20-2641474-G-C.
Other names: c.400C>G, p.Arg134Gly (NM_001258384.3, NM_001330763.2, NM_174855.4); c.400C>G (NM_006899.2); short protein forms R134G.
Identifiers: ClinVar variation 1035071 (VCV001035071.9), dbSNP rs757627319, ClinGen allele CA9735289.

ClinVar aggregate classification (germline): Uncertain significance. Review status: criteria provided, multiple submitters, no conflicts (2 of 4 stars). 3 submissions from 3 submitters: Uncertain significance (2). 1 of the submissions does not count toward it. Last evaluated 2023-12-22.

Conditions:
Retinal dystrophy. Also called: Inherited retinal dystrophy. Identifiers: Orphanet 71862, MedGen C0854723, MeSH D058499, MONDO:0019118, HP:0000556.

Allele frequency attached by ClinVar (database versions not stated): ExAC 0.00001; gnomAD 0.00001; gnomAD exomes 0.00002; TOPMed 0.00002.
gnomAD v4.1: 52 of 1,614,000 alleles (0.0032%); highest among the groups gnomAD compares: Non-Finnish European, 0.0042%; no homozygotes.

Submissions (3):

Ambry Genetics
Classification: Uncertain significance. Last evaluated: 2023-12-22. Review status: criteria provided, single submitter. Criteria: Ambry Variant Classification Scheme 2023. Collection method: clinical testing. Allele origin: germline.

Labcorp Genetics (formerly Invitae), Labcorp
Classification: Uncertain significance. Last evaluated: 2022-08-23. Review status: criteria provided, single submitter. Criteria: Invitae Variant Classification Sherloc (09022015). Collection method: clinical testing. Allele origin: germline.
Comment: This sequence change replaces arginine, which is basic and polar, with glycine, which is neutral and non-polar, at codon 134 of the IDH3B protein (p.Arg134Gly). This variant is present in population databases (rs757627319, gnomAD 0.004%). This variant has not been reported in the literature in individuals affected with IDH3B-related conditions. ClinVar contains an entry for this variant (Variation ID: 1035071). Algorithms developed to predict the effect of missense changes on protein structure and function are either unavailable or do not agree on the potential impact of this missense change (SIFT: "Not Available"; PolyPhen-2: "Probably Damaging"; Align-GVGD: "Not Available"). In summary, the available evidence is currently insufficient to determine the role of this variant in disease. Therefore, it has been classified as a Variant of Uncertain Significance.

Institute of Human Genetics, Univ. Regensburg, Univ. Regensburg
Classification: Uncertain significance for Retinal dystrophy. Last evaluated: 2020-01-01. Review status: no assertion criteria provided. Criteria: ACMG Guidelines, 2015. Collection method: clinical testing. Allele origin: germline. Affected: yes. Not counted in ClinVar's aggregate classification.